The following is an entry in ClinVar:

ClinVar aggregate classification (germline): Likely benign. Review status: criteria provided, multiple submitters, no conflicts (2 of 4 stars). 4 submissions from 4 submitters: Likely benign (3). 1 of the submissions does not count toward it. Last evaluated 2026-04-02.

Conditions:
MALT1-related disorder. Also called: MALT1-related condition.
Combined immunodeficiency due to MALT1 deficiency. Also called: Immunodeficiency 12. Identifiers: Orphanet 397964, MedGen C3809583, MONDO:0014197, OMIM 615468.

Allele frequency attached by ClinVar (database versions not stated): gnomAD exomes 0.00067; ExAC 0.00086; gnomAD 0.00254 and 0.00275; TOPMed 0.00261; ESP Exome Variant Server 0.00300; 1000 Genomes Project 30x 0.00312; 1000 Genomes Project 0.00319.
gnomAD v4.1: 758 of 1,613,464 alleles (0.047%); highest among the groups gnomAD compares: African/African-American, 0.87%; 5 homozygotes.

Submissions (4):

Women's Health and Genetics/Laboratory Corporation of America, LabCorp
Classification: Likely benign. Last evaluated: 2026-04-02. Review status: criteria provided, single submitter. Criteria: LabCorp Variant Classification Summary - May 2015. Collection method: clinical testing. Allele origin: germline.
Comment: Variant summary: MALT1 c.219C>G (p.Asp73Glu) results in a conservative amino acid change in the encoded protein sequence. Algorithms developed to predict the effect of missense changes on protein structure and function are either unavailable or do not agree on the potential impact of this missense change. The variant allele was found at a frequency of 0.00067 in 250610 control chromosomes, predominantly at a frequency of 0.009 within the African or African-American subpopulation in the gnomAD database, including 1 homozygotes. The observed variant frequency within African or African-American control individuals in the gnomAD database exceeds the estimated maximal expected allele frequency for disease-causing variants in MALT1. To our knowledge, no occurrence of c.219C>G in individuals affected with MALT1-related conditions and no experimental evidence demonstrating its impact on protein function have been reported. ClinVar contains an entry for this variant (Variation ID: 785754). Based on the evidence outlined above, the variant was classified as likely benign.

Labcorp Genetics (formerly Invitae), Labcorp
Classification: Likely benign for Combined immunodeficiency due to MALT1 deficiency. Last evaluated: 2026-01-24. Review status: criteria provided, single submitter. Criteria: Invitae Variant Classification Sherloc (09022015). Collection method: clinical testing. Allele origin: germline.

Blueprint Genetics
Classification: Likely benign. Last evaluated: 2024-11-13. Review status: criteria provided, single submitter. Criteria: ACMG Guidelines, 2015. Collection method: clinical testing. Allele origin: germline.

PreventionGenetics, part of Exact Sciences
Classification: Benign for MALT1-related condition. Last evaluated: 2019-07-08. Review status: no assertion criteria provided. Collection method: clinical testing. Allele origin: germline. Not counted in ClinVar's aggregate classification.
Comment: This variant is classified as benign based on ACMG/AMP sequence variant interpretation guidelines (Richards et al. 2015 PMID: 25741868, with internal and published modifications).

NM_006785.4(MALT1):c.219C>G (p.Asp73Glu)

Gene: MALT1 (MALT1 paracaspase; plus strand). Cytogenetic location: 18q21.32.
Variant type: single nucleotide variant.
Coding change: c.219C>G on transcript NM_006785.4 (MANE Select); coding-DNA position 219, C replaced by G.
Protein change: p.Asp73Glu; replaces aspartic acid 73 with glutamic acid.
Molecular consequence: missense variant.
Genome position (GRCh38, 1-based): chr18:58,681,179, C>G. VCF-style: chr18-58681179-C-G. GRCh37 (hg19) VCF-style: chr18-56348411-C-G.
Other names: c.219C>G, p.Asp73Glu (NM_173844.3); short protein forms D73E.
Identifiers: ClinVar variation 785754 (VCV000785754.15), dbSNP rs111255512, ClinGen allele CA8977605.
Genomic context (GRCh38, chr18:58,681,179, plus strand): 5'-TGTATCATGTGGAAGAAAGCTGTTGACTTGAATTCTTTCTGTTGCTTTCAGTTGCCTAGA[C>G]CTGGAGCAGTGTTCTCTTAAGGTACTGGAGCCTGAAGGAAGCCCCAGCCTGTGTCTGCTG-3'
Protein context (NP_006776.1, residues 63-83): SRGRLRLSCL[Asp73Glu]LEQCSLKVLE